The following is an entry in ClinVar:

ClinVar aggregate classification (germline): Likely pathogenic (1 of 4 stars; one submission).

Submission:

Labcorp Genetics (formerly Invitae), Labcorp
Classification: Likely pathogenic. Last evaluated: 2023-07-18. Review status: criteria provided, single submitter. Criteria: Invitae Variant Classification Sherloc (09022015). Collection method: clinical testing. Allele origin: germline.
Comment: This sequence change affects a donor splice site in intron 11 of the SLC4A11 gene. It is expected to disrupt RNA splicing. Variants that disrupt the donor or acceptor splice site typically lead to a loss of protein function (PMID: 16199547), and loss-of-function variants in SLC4A11 are known to be pathogenic (PMID: 17220209, 17679935). This variant is not present in population databases (gnomAD no frequency). This variant has not been reported in the literature in individuals affected with SLC4A11-related conditions. Algorithms developed to predict the effect of sequence changes on RNA splicing suggest that this variant may disrupt the consensus splice site. In summary, the currently available evidence indicates that the variant is pathogenic, but additional data are needed to prove that conclusively. Therefore, this variant has been classified as Likely Pathogenic.

Literature cited by the submitters: PubMed 16199547; PubMed 17220209; PubMed 17679935.

NM_001174089.2(SLC4A11):c.1415+1G>T

Gene: SLC4A11 (solute carrier family 4 member 11; minus strand). Cytogenetic location: 20p13.
Variant type: single nucleotide variant.
Coding change: c.1415+1G>T on transcript NM_001174089.2 (MANE Select); the canonical splice donor site of the intron after coding-DNA position 1415, G replaced by T.
Molecular consequence: splice donor variant. On other transcripts: non-coding transcript variant (1).
Genome position (GRCh38, 1-based): chr20:3,230,514, C>A on the plus strand (G>T on the coding strand, the complement: SLC4A11 is on the minus strand). VCF-style: chr20-3230514-C-A. GRCh37 (hg19) VCF-style: chr20-3211160-C-A.
Other names: c.1358+1G>T (NM_001400277.1, NM_001400278.1, NM_001400279.1); c.1301+1G>T (NM_001363745.2); c.1430+1G>T (NM_001400280.1); c.1544+1G>T (NM_001174090.2); c.1463+1G>T (NM_032034.4).
Identifiers: ClinVar variation 2744651 (VCV002744651.3), dbSNP rs2514550586, ClinGen allele CA408088528.